The following is an entry in ClinVar:

NM_006031.6(PCNT):c.8777G>A (p.Arg2926His)

Gene: PCNT (pericentrin; plus strand). Cytogenetic location: 21q22.3.
Variant type: single nucleotide variant.
Coding change: c.8777G>A on transcript NM_006031.6 (MANE Select); coding-DNA position 8777, G replaced by A.
Protein change: p.Arg2926His; replaces arginine 2926 with histidine.
Molecular consequence: missense variant.
Genome position (GRCh38, 1-based): chr21:46,435,929, G>A. VCF-style: chr21-46435929-G-A. GRCh37 (hg19) VCF-style: chr21-47855842-G-A.
Other names: c.8186G>A, p.Arg2729His (NM_001315529.2); short protein forms R2729H, R2926H.
Identifiers: ClinVar variation 3354063 (VCV003354063.2).
Genomic context (GRCh38, chr21:46,435,929, plus strand): 5'-GAACGTCTTCTCTGTCTTTTTTCTGTTAACAACAGCGAGAATTAGAACTGCAGCGTCAGC[G>A]TGACTTGCATAAGATCAAGCAGCTTCAGCAGACAGTGAGAGACCTGGAGTCGAAGGACGA-3'
Protein context (NP_006022.3, residues 2916-2936): KLRELELQRQ[Arg2926His]DLHKIKQLQQ

ClinVar aggregate classification (germline): Uncertain significance (1 of 4 stars; one submission).

Conditions:
PCNT-related disorder. Also called: PCNT-related condition.

Submission:

PreventionGenetics, part of Exact Sciences
Classification: Uncertain significance for PCNT-related condition. Last evaluated: 2026-08-19. Review status: criteria provided, single submitter. Criteria: ACMG Guidelines, 2015. Collection method: clinical testing. Allele origin: germline.
Comment: The PCNT c.8777G>A variant is predicted to result in the amino acid substitution p.Arg2926His. To our knowledge, this variant has not been reported in the literature. This variant is reported in 0.00088% of alleles in individuals of European (Non-Finnish) descent in gnomAD. At this time, the clinical significance of this variant is uncertain due to the absence of conclusive functional and genetic evidence.